The following is an entry in ClinVar:

ClinVar aggregate classification (germline): Uncertain significance. Review status: criteria provided, multiple submitters, no conflicts (2 of 4 stars). 2 submissions from 2 submitters: Uncertain significance (2). Last evaluated 2025-05-06.

Conditions:
ATP11A-related disorder. Also called: ATP11A-related condition.
Inborn genetic diseases. Identifiers: MedGen C0950123, MeSH D030342.

Allele frequency attached by ClinVar (database versions not stated): gnomAD exomes 0.00012; TOPMed 0.00017; ExAC 0.00018; gnomAD 0.00020; 1000 Genomes Project 30x 0.00031; ESP Exome Variant Server 0.00031; 1000 Genomes Project 0.00040.
gnomAD v4.1: 210 of 1,613,678 alleles (0.013%); highest among the groups gnomAD compares: Middle Eastern, 0.069%; no homozygotes.

Submissions (2):

PreventionGenetics, part of Exact Sciences
Classification: Uncertain significance for ATP11A-related condition. Last evaluated: 2025-05-06. Review status: criteria provided, single submitter. Criteria: ACMG Guidelines, 2015. Collection method: clinical testing. Allele origin: germline.
Comment: The ATP11A c.2863G>A variant is predicted to result in the amino acid substitution p.Ala955Thr. To our knowledge, this variant has not been reported in the literature. This variant is reported in 0.022% of alleles in individuals of European (Non-Finnish) descent in gnomAD. Although we suspect that this variant may be benign, at this time, the clinical significance of this variant is uncertain due to the absence of conclusive functional and genetic evidence.

Ambry Genetics
Classification: Uncertain significance for Inborn genetic diseases. Last evaluated: 2023-07-19. Review status: criteria provided, single submitter. Criteria: Ambry Variant Classification Scheme 2023. Collection method: clinical testing. Allele origin: germline.

NM_015205.3(ATP11A):c.2863G>A (p.Ala955Thr)

Gene: ATP11A (ATPase phospholipid transporting 11A; plus strand). Cytogenetic location: 13q34.
Variant type: single nucleotide variant.
Coding change: c.2863G>A on transcript NM_015205.3 (MANE Select); coding-DNA position 2863, G replaced by A.
Protein change: p.Ala955Thr; replaces alanine 955 with threonine.
Molecular consequence: missense variant.
Genome position (GRCh38, 1-based): chr13:112,862,447, G>A. VCF-style: chr13-112862447-G-A. GRCh37 (hg19) VCF-style: chr13-113516761-G-A.
Other names: c.2863G>A, p.Ala955Thr (NM_001405661.1, NM_001405662.1, NM_001405663.1 and 1 more transcripts); short protein forms A955T.
Identifiers: ClinVar variation 2588720 (VCV002588720.3), dbSNP rs145335126, ClinGen allele CA7057352.